The following is an entry in ClinVar:

NM_001161352.2(KCNMA1):c.3168C>G (p.Ile1056Met)

Genes: KCNMA1 (potassium calcium-activated channel subfamily M alpha 1; minus strand), KCNMA1-AS1 (KCNMA1 antisense RNA 1; plus strand). Cytogenetic location: 10q22.3.
Variant type: single nucleotide variant.
Coding change: c.3168C>G on transcript NM_001161352.2 (MANE Select); coding-DNA position 3168, C replaced by G.
Protein change: p.Ile1056Met; replaces isoleucine 1056 with methionine.
Molecular consequence: missense variant.
Genome position (GRCh38, 1-based): chr10:76,891,699, G>C on the plus strand (C>G on the coding strand, the complement: KCNMA1 is on the minus strand). VCF-style: chr10-76891699-G-C. GRCh37 (hg19) VCF-style: chr10-78651457-G-C.
Other names: c.3006C>G, p.Ile1002Met (NM_001014797.3); c.3117C>G, p.Ile1039Met (NM_001161353.2); c.2844C>G, p.Ile948Met (NM_001271518.2); c.3084C>G, p.Ile1028Met (NM_001271519.2); c.3003C>G, p.Ile1001Met (NM_001322829.2, NM_001322836.2); c.3096C>G, p.Ile1032Met (NM_001322830.2); c.2994C>G, p.Ile998Met (NM_001322832.2, NM_001410940.1, NM_002247.4); c.3087C>G, p.Ile1029Met (NM_001322835.2, NM_001322837.2); and 1 more; short protein forms I948M, I998M, I1032M, I1056M, I1001M, I1002M, I847M, I1028M.
Identifiers: ClinVar variation 2767696 (VCV002767696.3), dbSNP rs1354024331, ClinGen allele CA377403643.

ClinVar aggregate classification (germline): Uncertain significance (1 of 4 stars; one submission).

Conditions:
Generalized epilepsy-paroxysmal dyskinesia syndrome (PNKD3). Also called: Generalized epilepsy and paroxysmal dyskinesia; Paroxysmal nonkinesigenic dyskinesia, 3, with or without generalized epilepsy. Identifiers: Orphanet 79137, MedGen C5574945, MONDO:0012276, OMIM 609446.

Submission:

Labcorp Genetics (formerly Invitae), Labcorp
Classification: Uncertain significance for Generalized epilepsy-paroxysmal dyskinesia syndrome. Last evaluated: 2023-10-12. Review status: criteria provided, single submitter. Criteria: Invitae Variant Classification Sherloc (09022015). Collection method: clinical testing. Allele origin: germline.
Comment: This sequence change replaces isoleucine, which is neutral and non-polar, with methionine, which is neutral and non-polar, at codon 998 of the KCNMA1 protein (p.Ile998Met). This variant is not present in population databases (gnomAD no frequency). This variant has not been reported in the literature in individuals affected with KCNMA1-related conditions. Advanced modeling of protein sequence and biophysical properties (such as structural, functional, and spatial information, amino acid conservation, physicochemical variation, residue mobility, and thermodynamic stability) performed at Invitae indicates that this missense variant is not expected to disrupt KCNMA1 protein function. In summary, the available evidence is currently insufficient to determine the role of this variant in disease. Therefore, it has been classified as a Variant of Uncertain Significance.